The following is an entry in ClinVar:

NM_006914.4(RORB):c.197G>T (p.Arg66Leu)

Gene: RORB (RAR related orphan receptor B; plus strand). Cytogenetic location: 9q21.13.
Variant type: single nucleotide variant.
Coding change: c.197G>T on transcript NM_006914.4 (MANE Select); coding-DNA position 197, G replaced by T.
Protein change: p.Arg66Leu; replaces arginine 66 with leucine.
Molecular consequence: missense variant.
Genome position (GRCh38, 1-based): chr9:74,634,734, G>T. VCF-style: chr9-74634734-G-T. GRCh37 (hg19) VCF-style: chr9-77249650-G-T.
Other names: c.230G>T, p.Arg77Leu (NM_001365023.1); short protein forms R66L, R77L.
Identifiers: ClinVar variation 1338791 (VCV001338791.1), dbSNP rs756765022, ClinGen allele CA373772322.

ClinVar aggregate classification (germline): Uncertain significance (1 of 4 stars; one submission).

Conditions:
Epilepsy, idiopathic generalized, susceptibility to, 15 (EIG15). Identifiers: MedGen C5193050, MONDO:0032699, OMIM 618357.

Submission:

Institute of Human Genetics, University of Leipzig Medical Center
Classification: Uncertain significance for Epilepsy, idiopathic generalized, susceptibility to, 15. Last evaluated: 2022-01-12. Review status: criteria provided, single submitter. Criteria: ACMG Guidelines, 2015. Collection method: clinical testing. Allele origin: maternal. Affected: yes.
Comment: Criteria applied: PM2_SUP, PP2, PP3